The following is an entry in ClinVar:

NM_000152.5(GAA):c.2501_2502del (p.Thr834fs)

Gene: GAA (alpha glucosidase; plus strand). Cytogenetic location: 17q25.3.
Variant type: Microsatellite.
Coding change: c.2501_2502del on transcript NM_000152.5 (MANE Select); coding-DNA positions 2501 to 2502, 2 bases deleted (CA; older notation c.2501_2502delCA).
Protein change: p.Thr834fs; shifts the reading frame from threonine 834.
Molecular consequence: frameshift variant.
Genome position (GRCh38, 1-based): chr17:80,118,212-80,118,213, CA deleted; deleting any 2 consecutive bases within chr17:80,118,210-80,118,213 gives the same sequence; the c. name uses the placement nearest the transcript's 3' end. VCF-style (leftmost placement, unchanged base first): chr17-80118209-CCA-C. GRCh37 (hg19) VCF-style: chr17-78092008-CCA-C.
Other names: c.2501_2502del (NM_000152.3); c.2501_2502delCA (NM_000152.5, NM_000152.4); c.2501_2502del, p.Thr834fs (NM_001079803.3, NM_001079804.3); short protein forms T834fs.
Identifiers: ClinVar variation 286229 (VCV000286229.32), dbSNP rs886043343, ClinGen allele CA10605404.

ClinVar aggregate classification (germline): Pathogenic. Review status: reviewed by expert panel (3 of 4 stars). 12 submissions from 12 submitters: Pathogenic (1). 11 of the submissions do not count toward it. Last evaluated 2020-05-05.

Conditions:
Glycogen storage disease, type II (IOPD). Also called: GLYCOGENOSIS, GENERALIZED, CARDIAC FORM; GSD II; Glycogen storage disease type 2; Acid maltase deficiency disease; Aglucosidase alfa; Deficiency of alpha-glucosidase. Identifiers: Orphanet 365, MedGen C0017921, MONDO:0009290, OMIM 232300.

Submissions (12):

ClinGen Lysosomal Storage Disorder Variant Curation Expert Panel
Classification: Pathogenic for Glycogen storage disease, type II. Last evaluated: 2020-05-05. Review status: reviewed by expert panel. Criteria: ClinGen LSD ACMG Specifications v1. Collection method: curation. Allele origin: germline. Inheritance: Autosomal recessive inheritance.
Comment: This variant, c.2501_2502delCA (p.Thr834Argfs) is predicted to result in a frameshift causing a premature termination codon, nonsense medicated decay, and lack of GAA gene product, meeting PVS1. The variant has a highest population minor allele frequency of 0.00005794 in the Latino population, meeting PM2. This variant was found in compound heterozygosity with a known pathogenic variant, c.-32-13T>G, in three patients, who all meet the ClinGen LSD VCEP's PP4 criterion (PMID 22958975). The phase not confirmed in any of these patients. Additional patients with this variant have been reported but were not included because the residual GAA activity was not provided, and therefore PP4 cannot be assessed (PMIDs 19588081, 29122469), or the in trans data had been counted towards another variant and therefore were not included here to avoid circular logic (c.1933G>A (p.Asp645Asn), (PMID 23601496). The data meet PP4 and PM3_Supporting. There is a ClinVar entry for this variant (Variant ID: 286229; 2 star review status) with three submitters classifying the variant as pathogenic and one as likely pathogenic. In summary, this variant meets the criteria to be classified as pathogenic for Pompe disease. GAA-specific ACMG/AMP criteria applied, as specified by the ClinGen LSD VCEP: PVS1, PM2, PM3_Supporting, PP4.

Genomenon, Inc
Classification: Pathogenic for Glycogen storage disease, type II. Last evaluated: 2026-07-01. Review status: criteria provided, single submitter. Criteria: Genomenon Sequence Variant Interpretation Standards - Updated. Collection method: curation. Allele origin: germline. Affected: yes. Not counted in ClinVar's aggregate classification.
Comment: GAA p.Thr834ArgfsTer49 (c.2501_2502del) is a frameshift variant that is predicted to introduce a premature termination codon and result in a truncated or absent protein product. This variant has been observed in at least one proband with a GAA-related disorder (PMID:38250073;35477515;32518148;29755837;19588081;23601496). It is absent or not present at a significant frequency in gnomAD. In conclusion, we classify GAA p.Thr834ArgfsTer49 (c.2501_2502del) as a pathogenic variant.

Natera, Inc.
Classification: Pathogenic for Glycogen storage disease type II. Last evaluated: 2025-09-12. Review status: criteria provided, single submitter. Criteria: Natera Variant Classification Schema (03/2026). Collection method: clinical testing. Allele origin: germline. Not counted in ClinVar's aggregate classification.
Comment: The c.2501_2502delCA variant in GAA is a frameshift variant predicted to shift the reading frame beginning at codon 834 and leads to a stop codon 49 codons downstream. This variant is expected to result in nonsense mediated decay, truncation, or a dysfunctional protein product. This variant is rare in the general population with a frequency below the threshold expected for the associated phenotype(s). This variant has been observed in one or more individuals affected with the associated recessive disease, as either homozygous or compound heterozygous with a second variant (PMID: 19588081). Given the available evidence, this variant is classified as Pathogenic.

Labcorp Genetics (formerly Invitae), Labcorp
Classification: Pathogenic for Glycogen storage disease, type II. Last evaluated: 2025-06-27. Review status: criteria provided, single submitter. Criteria: Invitae Variant Classification Sherloc (09022015). Collection method: clinical testing. Allele origin: germline. Not counted in ClinVar's aggregate classification.
Comment: This sequence change creates a premature translational stop signal (p.Thr834Argfs*49) in the GAA gene. It is expected to result in an absent or disrupted protein product. Loss-of-function variants in GAA are known to be pathogenic (PMID: 18425781, 22252923). This variant is present in population databases (no rsID available, gnomAD 0.006%). This premature translational stop signal has been observed in individuals with Pompe disease (PMID: 19588081, 22958975, 29122469, 30564623). ClinVar contains an entry for this variant (Variation ID: 286229). For these reasons, this variant has been classified as Pathogenic.

Fulgent Genetics
Classification: Pathogenic for Glycogen storage disease, type II. Last evaluated: 2024-05-18. Review status: criteria provided, single submitter. Criteria: ACMG Guidelines, 2015. Collection method: clinical testing. Allele origin: germline. Not counted in ClinVar's aggregate classification.

Revvity Omics, Revvity
Classification: Pathogenic. Last evaluated: 2024-05-14. Review status: criteria provided, single submitter. Criteria: ACMG Guidelines, 2015. Collection method: clinical testing. Allele origin: germline. Not counted in ClinVar's aggregate classification.

GeneDx
Classification: Pathogenic. Last evaluated: 2023-11-17. Review status: criteria provided, single submitter. Criteria: GeneDx Variant Classification Process June 2021. Collection method: clinical testing. Allele origin: germline. Affected: yes. Not counted in ClinVar's aggregate classification.
Comment: Observed with a second GAA variant in unrelated patients with GSDII in published literature, but it is not known whether the variants occurred on the same (in cis) or on different (in trans) chromosomes in all cases (PMID: 23601496, 31086307, 30564623); Frameshift variant predicted to result in protein truncation or nonsense mediated decay in a gene for which loss-of-function is a known mechanism of disease; Not observed at a significant frequency in large population cohorts (gnomAD); Reported in ClinVar but additional evidence is not available (ClinVar Variant ID# 286229; ClinVar); This variant is associated with the following publications: (PMID: 31254424, 19588081, 31589614, 18425781, 23601496, 31086307, 30564623)

Broad Center for Mendelian Genomics, Broad Institute of MIT and Harvard
Classification: Pathogenic for Glycogen storage disease, type II. Last evaluated: 2020-01-22. Review status: criteria provided, single submitter. Criteria: ACMG Guidelines, 2015. Collection method: curation. Allele origin: germline. Inheritance: Autosomal recessive inheritance. Not counted in ClinVar's aggregate classification.
Comment: The p.Thr834ArgfsTer49 variant in GAA has been reported in 8 individuals with Glycogen Storage Disease II (PMID: 22958975, 23601496, 29122469, 19588081), and has also been reported pathogenic by EGL and likely pathogenic by Tehran Medical Genetics Laboratory and Integrated Genetics in ClinVar (Variation ID: 286229). This variant has been identified in 0.0058% (2/34516) of Latino chromosomes by the Genome Aggregation Database (gnomAD; dbSNP rs886043343). Although this variant has been seen in the general population, its frequency is low enough to be consistent with a recessive carrier frequency. This variant is predicted to cause a frameshift, which alters the protein's amino acid sequence beginning at position 834 and leads to a premature termination codon 49 amino acids downstream. This alteration is then predicted to lead to a truncated or absent protein. Loss of function of the GAA gene is an established disease mechanism in autosomal recessive Glycogen Storage Disease II. The presence of this variant in combination with a reported pathogenic variant and in individuals with Glycogen Storage Disease II increases the likelihood that the p.Thr834ArgfsTer49 variant is pathogenic (PMID: 19588081). The phenotype of individuals heterozygous for this variant is highly specific for Glycogen Storage Disease II based on reduced GAA activity in a dried blood spot or muscle tissue, consistent with disease (PMID: 22958975, 23601496). In summary, this variant meets criteria to be classified as pathogenic for Glycogen Storage Disease II in an autosomal recessive manner based on the predicted impact of the variant and multiple occurrences with pathogenic GAA variants in individuals with Glycogen Storage Disease II. ACMG/AMP Criteria applied: PVS1, PM2, PM3_Supporting, PP4 (Richards 2015).

Women's Health and Genetics/Laboratory Corporation of America, LabCorp
Classification: Pathogenic for Glycogen storage disease, type II. Last evaluated: 2018-11-30. Review status: criteria provided, single submitter. Criteria: LabCorp Variant Classification Summary - May 2015. Collection method: clinical testing. Allele origin: germline. Not counted in ClinVar's aggregate classification.
Comment: Variant summary: GAA c.2501_2502delCA (p.Thr834ArgfsX49) results in a premature termination codon, predicted to cause a truncation of the encoded protein or absence of the protein due to nonsense mediated decay, which are commonly known mechanisms for disease. Truncations downstream of this position have been classified as pathogenic by our laboratory (eg. c.2544delC, p.Lys849fsX38 and c.2560C>T, p.Arg854X). The variant allele was found at a frequency of 8.1e-06 in 245500 control chromosomes (gnomAD). The variant, c.2501_2502delCA, has been reported in the literature in individuals affected with Glycogen Storage Disease, Type 2 (Pompe Disease)(Kroos_2008, Palermo_2012, Musumeci_2012). These data indicate that the variant is likely to be associated with disease. One clinical diagnostic laboratory has submitted clinical-significance assessments for this variant to ClinVar after 2014 without evidence for independent evaluation and classified the variant as pathogenic. Based on the evidence outlined above, the variant was classified as pathogenic.

Eurofins Ntd Llc (ga)
Classification: Pathogenic. Last evaluated: 2016-02-23. Review status: criteria provided, single submitter. Criteria: EGL Classification Definitions 2015. Collection method: clinical testing. Allele origin: germline. Observed: 1 variant allele, 1 heterozygote. Not counted in ClinVar's aggregate classification.

Tehran Medical Genetics Laboratory
Classification: Likely pathogenic for Glycogen storage disease, type II. Review status: criteria provided, single submitter. Criteria: ACMG Guidelines, 2015. Collection method: clinical testing. Allele origin: inherited. Inheritance: Autosomal recessive inheritance. Affected: no. Observed: 1 variant allele, 1 heterozygote. Not counted in ClinVar's aggregate classification.

Counsyl
Classification: Pathogenic for Glycogen storage disease, type II. Last evaluated: 2016-11-17. Review status: no assertion criteria provided. Collection method: clinical testing. Allele origin: unknown. Not counted in ClinVar's aggregate classification.

Literature cited by the submitters: PubMed 29122469 (cited by ClinGen Lysosomal Storage Disorder Variant Curation Expert Panel and Labcorp Genetics (formerly Invitae), Labcorp); PubMed 23601496 (cited by ClinGen Lysosomal Storage Disorder Variant Curation Expert Panel and Genomenon, Inc); PubMed 22958975 (cited by 3 submitters); PubMed 19588081 (cited by 6 submitters); PubMed 38250073 (cited by Genomenon, Inc); PubMed 35477515 (cited by Genomenon, Inc); PubMed 32518148 (cited by Genomenon, Inc); PubMed 29755837 (cited by Genomenon, Inc); PubMed 18425781 (cited by Labcorp Genetics (formerly Invitae), Labcorp and Women's Health and Genetics/Laboratory Corporation of America, LabCorp); PubMed 22252923 (cited by Labcorp Genetics (formerly Invitae), Labcorp); PubMed 30564623 (cited by Labcorp Genetics (formerly Invitae), Labcorp); PubMed 22658377 (cited by Women's Health and Genetics/Laboratory Corporation of America, LabCorp).